The following is an entry in ClinVar:

NM_005359.6(SMAD4):c.297G>A (p.Trp99Ter)

Gene: SMAD4 (SMAD family member 4; plus strand). Cytogenetic location: 18q21.2.
Variant type: single nucleotide variant.
Coding change: c.297G>A on transcript NM_005359.6 (MANE Select); coding-DNA position 297, G replaced by A.
Protein change: p.Trp99Ter; replaces tryptophan 99 with a stop codon.
Molecular consequence: nonsense.
Genome position (GRCh38, 1-based): chr18:51,048,733, G>A. VCF-style: chr18-51048733-G-A. GRCh37 (hg19) VCF-style: chr18-48575103-G-A.
Other names: short protein forms W99*.
Identifiers: ClinVar variation 232929 (VCV000232929.6), dbSNP rs876660079, ClinGen allele CA10580973.

ClinVar aggregate classification (germline): Pathogenic/Likely pathogenic. Review status: criteria provided, multiple submitters, no conflicts (2 of 4 stars). 2 submissions from 2 submitters: Pathogenic (1); Likely pathogenic (1). Last evaluated 2021-10-04.

Conditions:
Familial thoracic aortic aneurysm and aortic dissection (TAAD). Also called: Thoracic aortic aneurysms and dissections. Identifiers: Orphanet 91387, MedGen C4707243, MONDO:0019625.
Hereditary cancer-predisposing syndrome. Also called: Hereditary Cancer Syndrome; Neoplastic Syndromes, Hereditary; Tumor predisposition; Hereditary neoplastic syndrome. Identifiers: Orphanet 140162, MedGen C0027672, MeSH D009386, MONDO:0015356.
Juvenile polyposis syndrome (JPS). Identifiers: Orphanet 2929, MedGen C0345893, MONDO:0017380, OMIM 174900.

Submissions (2):

Women's Health and Genetics/Laboratory Corporation of America, LabCorp
Classification: Likely pathogenic for Juvenile polyposis syndrome. Last evaluated: 2021-10-04. Review status: criteria provided, single submitter. Criteria: LabCorp Variant Classification Summary - May 2015. Collection method: clinical testing. Allele origin: germline.
Comment: Variant summary: SMAD4 c.297G>A (p.Trp99X) results in a premature termination codon, predicted to cause a truncation of the encoded protein or absence of the protein due to nonsense mediated decay, which are commonly known mechanisms for disease. Truncations downstream of this position have been classified as pathogenic by our laboratory. The variant was absent in 251428 control chromosomes. c.297G>A has been reported in the literature in individuals affected with cancer (Kou_2017, COSMIC database). These reports do not provide unequivocal conclusions about association of the variant with Juvenile Polyposis Syndrome. To our knowledge, no experimental evidence demonstrating an impact on protein function has been reported. One clinical diagnostic laboratory has submitted clinical-significance assessments for this variant to ClinVar after 2014 without evidence for independent evaluation and classified the variant as pathogenic. Based on the evidence outlined above, the variant was classified as likely pathogenic.

Ambry Genetics
Classification: Pathogenic for Hereditary cancer-predisposing syndrome; Familial thoracic aortic aneurysm and aortic dissection. Last evaluated: 2015-07-17. Review status: criteria provided, single submitter. Criteria: Ambry Variant Classification Scheme 2023. Collection method: clinical testing. Allele origin: germline.
Comment: The p.W99* pathogenic mutation (also known as c.297G>A) located in coding exon 2 of the SMAD4 gene, results from a G to A substitution at nucleotide position 297. This changes the amino acid from a tryptophan to a stop codon within coding exon 2. Since premature stop codons are typically deleterious in nature, this alteration is interpreted as a disease-causing mutation (ACMG Recommendations for Standards for Interpretation and Reporting of Sequence Variations. Revision 2007. Genet Med. 2008;10:294).

Literature cited by the submitters: PubMed 28440963 (cited by Women's Health and Genetics/Laboratory Corporation of America, LabCorp).